The following is an entry in ClinVar:

ClinVar aggregate classification (germline): Uncertain significance (1 of 4 stars; one submission).

Submission:

Ambry Genetics
Classification: Uncertain significance. Last evaluated: 2023-06-21. Review status: criteria provided, single submitter. Criteria: Ambry Variant Classification Scheme 2023. Collection method: clinical testing. Allele origin: germline.
Comment: The p.G1257R variant (also known as c.3769G>C), located in coding exon 34 of the KIF1B gene, results from a G to C substitution at nucleotide position 3769. The glycine at codon 1257 is replaced by arginine, an amino acid with dissimilar properties. This amino acid position is conserved. In addition, this alteration is predicted to be deleterious by in silico analysis. Since supporting evidence is limited at this time, the clinical significance of this alteration remains unclear.

NM_001365951.3(KIF1B):c.3907G>C (p.Gly1303Arg)

Gene: KIF1B (kinesin family member 1B; plus strand). Cytogenetic location: 1p36.22.
Variant type: single nucleotide variant.
Coding change: c.3907G>C on transcript NM_001365951.3 (MANE Select); coding-DNA position 3907, G replaced by C.
Protein change: p.Gly1303Arg; replaces glycine 1303 with arginine.
Molecular consequence: missense variant.
Genome position (GRCh38, 1-based): chr1:10,348,691, G>C. VCF-style: chr1-10348691-G-C. GRCh37 (hg19) VCF-style: chr1-10408749-G-C.
Other names: c.3907G>C, p.Gly1303Arg (NM_001365952.1); c.3769G>C, p.Gly1257Arg (NM_015074.3); short protein forms G1303R, G1257R.
Identifiers: ClinVar variation 2625157 (VCV002625157.2), dbSNP rs2521798955, ClinGen allele CA338343667.